The following is an entry in ClinVar:

ClinVar aggregate classification (germline): Likely pathogenic (1 of 4 stars; one submission).

Conditions:
Epidermodysplasia verruciformis. Identifiers: Orphanet 302, MedGen C0014522, MONDO:0009176.

gnomAD v4.1: 2 of 1,611,266 alleles (0.00012%); highest among the groups gnomAD compares: South Asian, 0.0011%; no homozygotes.

Submission:

Labcorp Genetics (formerly Invitae), Labcorp
Classification: Likely pathogenic for Epidermodysplasia verruciformis. Last evaluated: 2024-05-23. Review status: criteria provided, single submitter. Criteria: Invitae Variant Classification Sherloc (09022015). Collection method: clinical testing. Allele origin: germline.
Comment: This sequence change affects a donor splice site in intron 6 of the TMC8 gene. It is expected to disrupt RNA splicing. Variants that disrupt the donor or acceptor splice site typically lead to a loss of protein function (PMID: 16199547), and loss-of-function variants in TMC8 are known to be pathogenic (PMID: 12426567, 22158547). This variant is not present in population databases (gnomAD no frequency). This variant has not been reported in the literature in individuals affected with TMC8-related conditions. Algorithms developed to predict the effect of sequence changes on RNA splicing suggest that this variant may disrupt the consensus splice site. In summary, the currently available evidence indicates that the variant is pathogenic, but additional data are needed to prove that conclusively. Therefore, this variant has been classified as Likely Pathogenic.

Literature cited by the submitters: PubMed 16199547; PubMed 12426567; PubMed 22158547.

NM_152468.5(TMC8):c.668+1G>A

Gene: TMC8 (transmembrane channel like 8; plus strand). Cytogenetic location: 17q25.3.
Variant type: single nucleotide variant.
Coding change: c.668+1G>A on transcript NM_152468.5 (MANE Select); the canonical splice donor site of the intron after coding-DNA position 668, G replaced by A.
Molecular consequence: splice donor variant.
Genome position (GRCh38, 1-based): chr17:78,133,543, G>A. VCF-style: chr17-78133543-G-A. GRCh37 (hg19) VCF-style: chr17-76129624-G-A.
Identifiers: ClinVar variation 3677282 (VCV003677282.2).